The following is an entry in ClinVar:

NM_001458.5(FLNC):c.7409C>T (p.Pro2470Leu)

Genes: FLNC (filamin C; plus strand), FLNC-AS1 (FLNC antisense RNA 1; minus strand). Cytogenetic location: 7q32.1.
Variant type: single nucleotide variant.
Coding change: c.7409C>T on transcript NM_001458.5 (MANE Select); coding-DNA position 7409, C replaced by T.
Protein change: p.Pro2470Leu; replaces proline 2470 with leucine.
Molecular consequence: missense variant.
Genome position (GRCh38, 1-based): chr7:128,856,769, C>T. VCF-style: chr7-128856769-C-T. GRCh37 (hg19) VCF-style: chr7-128496823-C-T.
Other names: c.7310C>T, p.Pro2437Leu (NM_001127487.2); short protein forms P2437L, P2470L.
Identifiers: ClinVar variation 1758763 (VCV001758763.2), dbSNP rs2128940221, ClinGen allele CA369217266.
Genomic context (GRCh38, chr7:128,856,769, plus strand): 5'-AGGATGGAGGCTAAGCCACCAACCCTTTATCCACAGACAAGCACACCATCCGCTTCATCC[C>T]CCACGAGAATGGCGTCCACTCCATCGATGTCAAGTTCAACGGTGCCCACATCCCTGGAAG-3'
Protein context (NP_001449.3, residues 2460-2480): DSDKHTIRFI[Pro2470Leu]HENGVHSIDV

ClinVar aggregate classification (germline): Uncertain significance (1 of 4 stars; one submission).

Conditions:
Cardiovascular phenotype. Identifiers: MedGen CN230736.

Submission:

Ambry Genetics
Classification: Uncertain significance for Cardiovascular phenotype. Last evaluated: 2019-03-28. Review status: criteria provided, single submitter. Criteria: Ambry Variant Classification Scheme 2023. Collection method: clinical testing. Allele origin: germline.
Comment: The p.P2470L variant (also known as c.7409C>T), located in coding exon 45 of the FLNC gene, results from a C to T substitution at nucleotide position 7409. The proline at codon 2470 is replaced by leucine, an amino acid with similar properties. This amino acid position is highly conserved in available vertebrate species. In addition, this alteration is predicted to be deleterious by in silico analysis. Since supporting evidence is limited at this time, the clinical significance of this alteration remains unclear.